The following is an entry in ClinVar:

ClinVar aggregate classification (germline): Benign. Review status: criteria provided, multiple submitters, no conflicts (2 of 4 stars). 5 submissions from 5 submitters: Benign (5). Last evaluated 2026-02-03.

Conditions:
Renal hypomagnesemia 4. Also called: HYPOMAGNESEMIA, RENAL, NORMOCALCIURIC. Identifiers: Orphanet 34527, MedGen C2673648, MONDO:0012717, OMIM 611718.

Allele frequency attached by ClinVar (database versions not stated): ESP Exome Variant Server 0.04398; gnomAD 0.04966 and 0.05210; TOPMed 0.05290; gnomAD exomes 0.06066 and 0.07328; ExAC 0.07045; 1000 Genomes Project 30x 0.07292; 1000 Genomes Project 0.07688.
gnomAD v4.1: 96,778 of 1,613,974 alleles (6%); highest among the groups gnomAD compares: East Asian, 20%; 3,671 homozygotes.

Submissions (15):

Labcorp Genetics (formerly Invitae), Labcorp
Classification: Benign. Last evaluated: 2026-02-03. Review status: criteria provided, single submitter. Criteria: Invitae Variant Classification Sherloc (09022015). Collection method: clinical testing. Allele origin: germline.

Mayo Clinic Laboratories, Mayo Clinic
Classification: Benign. Last evaluated: 2023-01-13. Review status: criteria provided, single submitter. Criteria: ACMG Guidelines, 2015. Collection method: clinical testing. Allele origin: germline. Observed: 8 variant alleles.
Comment: BA1, BS2, BP4

GeneDx
Classification: Benign. Last evaluated: 2020-02-03. Review status: criteria provided, single submitter. Criteria: GeneDx Variant Classification Process June 2021. Collection method: clinical testing. Allele origin: germline. Affected: yes.
Comment: This variant is associated with the following publications: (PMID: 16574953)

Illumina Laboratory Services, Illumina
Classification: Benign for Renal hypomagnesemia 4. Last evaluated: 2018-03-06. Review status: criteria provided, single submitter. Criteria: ICSL Variant Classification Criteria 13 December 2019. Collection method: clinical testing. Allele origin: germline.
Comment: This variant was observed in the ICSL laboratory as part of a predisposition screen in an ostensibly healthy population. It had not been previously curated by ICSL or reported in the Human Gene Mutation Database (HGMD: prior to June 1st, 2018), and was therefore a candidate for classification through an automated scoring system. Utilizing variant allele frequency, disease prevalence and penetrance estimates, and inheritance mode, an automated score was calculated to assess if this variant is too frequent to cause the disease. Based on the score and internal cut-off values, a variant classified as benign is not then subjected to further curation. The score for this variant resulted in a classification of benign for this disease.

Breakthrough Genomics
Classification: Benign. Review status: criteria provided, single submitter. Criteria: ACMG Guidelines, 2015. Collection method: not provided. Allele origin: germline. Inheritance: Autosomal recessive inheritance. Affected: yes.

Dr. Peter K. Rogan Lab, Western University
No classification provided (evidence only). Condition: Acute myeloid leukemia. Review status: no classification provided. Collection method: in vitro. Allele origin: not applicable. Functional consequence: retained intron. Not counted in ClinVar's aggregate classification.

Dr. Peter K. Rogan Lab, Western University
No classification provided (evidence only). Condition: Colorectal cancer. Review status: no classification provided. Collection method: in vitro. Allele origin: not applicable. Functional consequence: retained intron. Not counted in ClinVar's aggregate classification.

Dr. Peter K. Rogan Lab, Western University
No classification provided (evidence only). Condition: Malignant lymphoma, large B-cell, diffuse. Review status: no classification provided. Collection method: in vitro. Allele origin: not applicable. Functional consequence: retained intron. Not counted in ClinVar's aggregate classification.

Dr. Peter K. Rogan Lab, Western University
No classification provided (evidence only). Condition: Nonpapillary renal cell carcinoma. Review status: no classification provided. Collection method: in vitro. Allele origin: not applicable. Functional consequence: retained intron. Not counted in ClinVar's aggregate classification.

Dr. Peter K. Rogan Lab, Western University
No classification provided (evidence only). Condition: Nonpapillary renal cell carcinoma. Review status: no classification provided. Collection method: in vitro. Allele origin: not applicable. Functional consequence: retained intron. Not counted in ClinVar's aggregate classification.

Dr. Peter K. Rogan Lab, Western University
No classification provided (evidence only). Condition: Nonpapillary renal cell carcinoma. Review status: no classification provided. Collection method: in vitro. Allele origin: not applicable. Functional consequence: retained intron. Not counted in ClinVar's aggregate classification.

Dr. Peter K. Rogan Lab, Western University
No classification provided (evidence only). Condition: Nonpapillary renal cell carcinoma. Review status: no classification provided. Collection method: in vitro. Allele origin: not applicable. Functional consequence: retained intron. Not counted in ClinVar's aggregate classification.

Dr. Peter K. Rogan Lab, Western University
No classification provided (evidence only). Condition: Nonpapillary renal cell carcinoma. Review status: no classification provided. Collection method: in vitro. Allele origin: not applicable. Functional consequence: retained intron. Not counted in ClinVar's aggregate classification.

Dr. Peter K. Rogan Lab, Western University
No classification provided (evidence only). Condition: Cholangiocarcinoma. Review status: no classification provided. Collection method: in vitro. Allele origin: not applicable. Functional consequence: retained intron. Not counted in ClinVar's aggregate classification.

Dr. Peter K. Rogan Lab, Western University
No classification provided (evidence only). Condition: Ovarian serous cystadenocarcinoma. Review status: no classification provided. Collection method: in vitro. Allele origin: not applicable. Functional consequence: retained intron. Not counted in ClinVar's aggregate classification.

NM_001963.6(EGF):c.2351A>T (p.Asp784Val)

Genes: EGF (epidermal growth factor; plus strand), LOC126807134 (BRD4-independent group 4 enhancer GRCh37_chr4:110900995-110902194; plus strand). Cytogenetic location: 4q25.
Variant type: single nucleotide variant.
Coding change: c.2351A>T on transcript NM_001963.6 (MANE Select); coding-DNA position 2351, A replaced by T.
Protein change: p.Asp784Val; replaces aspartic acid 784 with valine.
Molecular consequence: missense variant.
Genome position (GRCh38, 1-based): chr4:109,980,955, A>T. VCF-style: chr4-109980955-A-T. GRCh37 (hg19) VCF-style: chr4-110902111-A-T.
Other names: c.2351A>T, p.Asp784Val (NM_001178130.3); c.2225A>T, p.Asp742Val (NM_001178131.3, NM_001357021.2); short protein forms D784V, D742V.
Identifiers: ClinVar variation 347246 (VCV000347246.16), dbSNP rs11569017, ClinGen allele CA3043939.